The following is an entry in ClinVar:

ClinVar aggregate classification (germline): Uncertain significance (1 of 4 stars; one submission).

Conditions:
Frontotemporal dementia and/or amyotrophic lateral sclerosis 1 (FTDALS1). Also called: C9orf72 Frontotemporal Dementia and/or Amyotrophic Lateral Sclerosis; Frontotemporal dementia with motor neuron disease 1. Identifiers: Orphanet 275872, MedGen C5779877, MONDO:0007105, OMIM 105550.
Paget disease of bone 2, early-onset (PDB2). Also called: Paget disease of bone 2. Identifiers: MedGen C4085251, MONDO:0011183, OMIM 602080.

Allele frequency attached by ClinVar (database versions not stated): gnomAD exomes below 0.00001; TOPMed below 0.00001; gnomAD 0.00001.

Submission:

Labcorp Genetics (formerly Invitae), Labcorp
Classification: Uncertain significance for Paget disease of bone 2, early-onset; Frontotemporal dementia and/or amyotrophic lateral sclerosis 1. Last evaluated: 2025-11-25. Review status: criteria provided, single submitter. Criteria: Invitae Variant Classification Sherloc (09022015). Collection method: clinical testing. Allele origin: germline.
Comment: This sequence change replaces methionine, which is neutral and non-polar, with valine, which is neutral and non-polar, at codon 121 of the SQSTM1 protein (p.Met121Val). This variant is not present in population databases (gnomAD no frequency). This variant has not been reported in the literature in individuals affected with SQSTM1-related conditions. ClinVar contains an entry for this variant (Variation ID: 1499532). Invitae Evidence Modeling of protein sequence and biophysical properties (such as structural, functional, and spatial information, amino acid conservation, physicochemical variation, residue mobility, and thermodynamic stability) indicates that this missense variant is not expected to disrupt SQSTM1 protein function with a negative predictive value of 80%. In summary, the available evidence is currently insufficient to determine the role of this variant in disease. Therefore, it has been classified as a Variant of Uncertain Significance.

NM_003900.5(SQSTM1):c.361A>G (p.Met121Val)

Gene: SQSTM1 (sequestosome 1; plus strand). Cytogenetic location: 5q35.3.
Variant type: single nucleotide variant.
Coding change: c.361A>G on transcript NM_003900.5 (MANE Select); coding-DNA position 361, A replaced by G.
Protein change: p.Met121Val; replaces methionine 121 with valine.
Molecular consequence: missense variant.
Genome position (GRCh38, 1-based): chr5:179,823,917, A>G. VCF-style: chr5-179823917-A-G. GRCh37 (hg19) VCF-style: chr5-179250917-A-G.
Other names: c.109A>G, p.Met37Val (NM_001142298.2, NM_001142299.2); short protein forms M121V, M37V.
Identifiers: ClinVar variation 1499532 (VCV001499532.6), dbSNP rs1209470881, ClinGen allele CA362443544.
Genomic context (GRCh38, chr5:179,823,917, plus strand): 5'-GAGAAAAAAGAGTGCCGGCGGGACCACCGCCCACCGTGTGCTCAGGAGGCGCCCCGCAAC[A>G]TGGTGCACCCCAATGTGATCTGCGATGGCTGCAATGGGCCTGTGGTAGGAACCCGCTACA-3'
Protein context (NP_003891.1, residues 111-131): PPCAQEAPRN[Met121Val]VHPNVICDGC